The following is an entry in ClinVar:

NM_001082971.2(DDC):c.*297T>C

Gene: DDC (dopa decarboxylase; minus strand). Cytogenetic location: 7p12.2.
Variant type: single nucleotide variant.
Coding change: c.*297T>C on transcript NM_001082971.2 (MANE Select); 297 bases downstream of the stop codon, T replaced by C.
Molecular consequence: 3 prime UTR variant.
Genome position (GRCh38, 1-based): chr7:50,458,565, A>G on the plus strand (T>C on the coding strand, the complement: DDC is on the minus strand). VCF-style: chr7-50458565-A-G. GRCh37 (hg19) VCF-style: chr7-50526263-A-G.
Other names: c.*297T>C (NM_000790.4, NM_001242886.2, NM_001242887.2 and 2 more transcripts).
Identifiers: ClinVar variation 360425 (VCV000360425.5), dbSNP rs11575551, ClinGen allele CA10629245.

ClinVar aggregate classification (germline): Benign (1 of 4 stars; one submission).

Conditions:
Deficiency of aromatic-L-amino-acid decarboxylase. Also called: Aromatic L-Amino Acid Decarboxylase Deficiency; Aromatic amino acid decarboxylase deficiency; AADC DEFICIENCY; DDC DEFICIENCY; DOPA DECARBOXYLASE DEFICIENCY. Identifiers: Orphanet 35708, MedGen C1291564, MONDO:0012084, OMIM 608643.

Allele frequency attached by ClinVar (database versions not stated): gnomAD 0.03658 and 0.03903; 1000 Genomes Project 0.03774; 1000 Genomes Project 30x 0.04029; TOPMed 0.04101.

Submission:

Illumina Laboratory Services, Illumina
Classification: Benign for Deficiency of aromatic-L-amino-acid decarboxylase. Last evaluated: 2018-01-13. Review status: criteria provided, single submitter. Criteria: ICSL Variant Classification Criteria 13 December 2019. Collection method: clinical testing. Allele origin: germline.
Comment: This variant was observed in the ICSL laboratory as part of a predisposition screen in an ostensibly healthy population. It had not been previously curated by ICSL or reported in the Human Gene Mutation Database (HGMD: prior to June 1st, 2018), and was therefore a candidate for classification through an automated scoring system. Utilizing variant allele frequency, disease prevalence and penetrance estimates, and inheritance mode, an automated score was calculated to assess if this variant is too frequent to cause the disease. Based on the score and internal cut-off values, a variant classified as benign is not then subjected to further curation. The score for this variant resulted in a classification of benign for this disease.